The following is an entry in ClinVar:

NM_000214.3(JAG1):c.560G>A (p.Cys187Tyr)

Gene: JAG1 (jagged canonical Notch ligand 1; minus strand). Cytogenetic location: 20p12.2.
Variant type: single nucleotide variant.
Coding change: c.560G>A on transcript NM_000214.3 (MANE Select); coding-DNA position 560, G replaced by A.
Protein change: p.Cys187Tyr; replaces cysteine 187 with tyrosine.
Molecular consequence: missense variant.
Genome position (GRCh38, 1-based): chr20:10,658,602, C>T on the plus strand (G>A on the coding strand, the complement: JAG1 is on the minus strand). VCF-style: chr20-10658602-C-T. GRCh37 (hg19) VCF-style: chr20-10639250-C-T.
Other names: short protein forms C187Y.
Identifiers: ClinVar variation 3573333 (VCV003573333.2).

Conditions:
Arteriohepatic dysplasia. Also called: Alagille Syndrome. Identifiers: Orphanet 52, MedGen C0085280, MeSH D016738, MONDO:0007318.

Submission:

Gilbert/Spinner Lab, Children's Hospital of Philadelphia
No classification provided (evidence only). Condition: Alagille syndrome. Review status: no classification provided. Collection method: research. Allele origin: not applicable. Functional consequence: functionally_abnormal.
ClinVar note: "not provided" was previously submitted as the classification for the variant. However, the classification appeared to be based only on an observation of functional data so it was converted to no classification on 2025-07-30.